The following is an entry in ClinVar:

ClinVar aggregate classification (germline): Uncertain significance. Review status: criteria provided, multiple submitters, no conflicts (2 of 4 stars). 2 submissions from 2 submitters: Uncertain significance (2). Last evaluated 2022-11-18.

Conditions:
Inborn genetic diseases. Identifiers: MedGen C0950123, MeSH D030342.

Allele frequency attached by ClinVar (database versions not stated): gnomAD 0.00001; gnomAD exomes 0.00002; TOPMed 0.00002; ExAC 0.00004.
gnomAD v4.1: 39 of 1,614,066 alleles (0.0024%); highest among the groups gnomAD compares: Non-Finnish European, 0.0029%; no homozygotes.

Submissions (2):

Ambry Genetics
Classification: Uncertain significance for Inborn genetic diseases. Last evaluated: 2022-11-18. Review status: criteria provided, single submitter. Criteria: Ambry Variant Classification Scheme 2023. Collection method: clinical testing. Allele origin: germline.

Labcorp Genetics (formerly Invitae), Labcorp
Classification: Uncertain significance. Last evaluated: 2022-06-08. Review status: criteria provided, single submitter. Criteria: Invitae Variant Classification Sherloc (09022015). Collection method: clinical testing. Allele origin: germline.
Comment: This sequence change replaces proline, which is neutral and non-polar, with leucine, which is neutral and non-polar, at codon 868 of the UBR1 protein (p.Pro868Leu). This variant is present in population databases (rs758919702, gnomAD 0.007%). This variant has not been reported in the literature in individuals affected with UBR1-related conditions. Algorithms developed to predict the effect of missense changes on protein structure and function (SIFT, PolyPhen-2, Align-GVGD) all suggest that this variant is likely to be disruptive. In summary, the available evidence is currently insufficient to determine the role of this variant in disease. Therefore, it has been classified as a Variant of Uncertain Significance.

NM_174916.3(UBR1):c.2603C>T (p.Pro868Leu)

Gene: UBR1 (ubiquitin protein ligase E3 component n-recognin 1; minus strand). Cytogenetic location: 15q15.2.
Variant type: single nucleotide variant.
Coding change: c.2603C>T on transcript NM_174916.3 (MANE Select); coding-DNA position 2603, C replaced by T.
Protein change: p.Pro868Leu; replaces proline 868 with leucine.
Molecular consequence: missense variant.
Genome position (GRCh38, 1-based): chr15:43,024,965, G>A on the plus strand (C>T on the coding strand, the complement: UBR1 is on the minus strand). VCF-style: chr15-43024965-G-A. GRCh37 (hg19) VCF-style: chr15-43317163-G-A.
Other names: short protein forms P868L.
Identifiers: ClinVar variation 1895928 (VCV001895928.3), dbSNP rs758919702, ClinGen allele CA7518400.